The following is an entry in ClinVar:

ClinVar aggregate classification (germline): Pathogenic/Likely pathogenic. Review status: criteria provided, multiple submitters, no conflicts (2 of 4 stars). 11 submissions from 11 submitters: Pathogenic (5); Likely pathogenic (2). 4 of the submissions do not count toward it. Last evaluated 2025-10-21.

Conditions:
Differences in sex development.
CYP17A1-related disorder. Also called: CYP17A1-related condition.
Congenital adrenal hyperplasia. Identifiers: Orphanet 418, MedGen C0001627, MONDO:0018479, HP:0008258.
Deficiency of steroid 17-alpha-monooxygenase. Also called: Congenital adrenal hyperplasia due to 17-alpha-hydroxylase deficiency; Congenital adrenal hyperplasia type 5; 17-ALPHA-HYDROXYLASE DEFICIENCY; 17-alpha-hydroxylase/17,20-lyase deficiency; ADRENAL HYPERPLASIA V. Identifiers: Orphanet 90793, MedGen C0268285, MONDO:0008730, OMIM 202110.
17-alpha-hydroxylase/17,20-lyase deficiency, combined complete. Identifiers: MedGen CN042980, MONDO:0800379.

Submissions (11):

NHS Central & South Genomic Laboratory Hub
Classification: Likely pathogenic for Differences in sex development. Last evaluated: 2025-10-21. Review status: criteria provided, single submitter. Criteria: ACMG Guidelines, 2015. Collection method: clinical testing. Allele origin: germline. Affected: yes.

Natera, Inc.
Classification: Pathogenic for Deficiency of steroid 17-alpha-monooxygenase. Last evaluated: 2024-09-05. Review status: criteria provided, single submitter. Criteria: Natera Variant Classification Schema (03/2026). Collection method: clinical testing. Allele origin: germline.
Comment: The c.1435_1438dupATCC variant in CYP17A1 is a frameshift variant predicted to shift the reading frame beginning at codon 480 and leads to a stop codon 27 codons downstream. This variant is expected to result in nonsense mediated decay, truncation, or a dysfunctional protein product. This variant is rare in the general population with a frequency below the threshold expected for the associated phenotype(s). This variant has been observed in one or more individuals affected with the associated recessive disease, as either homozygous or compound heterozygous with a second variant (PMID: 2843762, 1577471). Additionally, this variant has been observed to segregate in affected family members (PMID: 1577471). Functional studies show that this variant may disrupt protein function (PMID: 1515452). Given the available evidence, this variant is classified as Pathogenic.

Labcorp Genetics (formerly Invitae), Labcorp
Classification: Pathogenic. Last evaluated: 2024-02-01. Review status: criteria provided, single submitter. Criteria: Invitae Variant Classification Sherloc (09022015). Collection method: clinical testing. Allele origin: germline.
Comment: This sequence change creates a premature translational stop signal (p.Pro480Hisfs*27) in the CYP17A1 gene. While this is not anticipated to result in nonsense mediated decay, it is expected to disrupt the last 29 amino acid(s) of the CYP17A1 protein. This variant is present in population databases (rs556794126, gnomAD 0.005%). This premature translational stop signal has been observed in individuals with congenital adrenal hyperplasia (PMID: 1577471, 2786493). ClinVar contains an entry for this variant (Variation ID: 1777). For these reasons, this variant has been classified as Pathogenic.

Blueprint Genetics
Classification: Pathogenic for CYP17A1-related disorders. Last evaluated: 2022-09-02. Review status: criteria provided, single submitter. Criteria: ACMG Guidelines, 2015. Collection method: clinical testing. Allele origin: germline. Affected: yes. Observed: 3 variant alleles.

Women's Health and Genetics/Laboratory Corporation of America, LabCorp
Classification: Pathogenic for Congenital adrenal hyperplasia. Last evaluated: 2022-05-20. Review status: criteria provided, single submitter. Criteria: LabCorp Variant Classification Summary - May 2015. Collection method: clinical testing. Allele origin: germline.
Comment: Variant summary: CYP17A1 c.1435_1438dupATCC (p.Pro480HisfsX27) results in a premature termination codon, predicted to cause a truncation of the encoded protein or absence of the protein due to nonsense mediated decay, which are commonly known mechanisms for disease. Truncations downstream of this position have been classified as pathogenic by our laboratory. The variant allele was found at a frequency of 2.5e-05 in 237994 control chromosomes. c.1435_1438dupATCC has been reported in the literature in multiple individuals affected with Congenital Adrenal Hyperplasia (example Kagimoto_1988, Kagimoto-1989, Perez_2004). These data indicate that the variant is very likely to be associated with disease. Four clinical diagnostic laboratories have submitted clinical-significance assessments for this variant to ClinVar after 2014 without evidence for independent evaluation.Two laboratories classified the variant as pathogenic, one as likely pathogenic, and one classified it VUS. Based on the evidence outlined above, the variant was classified as pathogenic.

Laboratory for Molecular Medicine, Mass General Brigham Personalized Medicine
Classification: Likely pathogenic for Deficiency of steroid 17-alpha-monooxygenase. Last evaluated: 2018-10-09. Review status: criteria provided, single submitter. Criteria: LMM Criteria. Collection method: clinical testing. Allele origin: germline. Observed: 1 variant allele.
Comment: The p.Pro480HisfsX27 variant in CYP17A1 has been reported in 7 individuals with 17 alpha-hydroxylase/17,20-lyase deficiency and segregated with disease in 2 aff ected family members from 2 families (Kagimoto 1988, Kagimoto 1989, Imai 1992). It has also been identified in 5/104972 of European chromosomes by gnomAD. This variant is predicted to cause a frameshift, w hich alters the protein?s amino acid sequence beginning at position 480 and lead s to a premature termination codon 27 amino acids downstream. This termination c odon occurs within the terminal 50 bases of the second to the last exon and is t herefore likely to escape nonsense mediated decay (NMD) and result in a truncate d protein. In summary, although additional studies are required to fully establi sh its clinical significance, the p.Pro480HisfsX27 variant is likely pathogenic. ACMG/AMP criteria applied: PM2, PM3, PVS1_Moderate, PP1_Moderate.

GeneDx
Classification: Pathogenic. Last evaluated: 2017-06-23. Review status: criteria provided, single submitter. Criteria: GeneDx Variant Classification (06012015). Collection method: clinical testing. Allele origin: germline. Affected: yes.
Comment: The c.1435_1438dupATCC variant has been reported previously in the homozygous state in association with 17 alpha-hydroxylase/17,20-lyase deficiency (Kagimoto et al., 1988; Kagimoto et al., 1989; Imai et al., 1992). The duplication causes a frameshift starting with codon Proline 480, changes this amino acid to a Histidine residue and creates a premature Stop codon at position 27 of the new reading frame, denoted p.Pro480HisfsX27. This variant is predicted to cause loss of normal protein function through protein truncation. The variant is not observed at a significant frequency in large population cohorts (Lek et al., 2016; 1000 Genomes Consortium et al., 2015; Exome Variant Server). In summary, we consider this variant to be pathogenic.

OMIM
Classification: Pathogenic for 17-ALPHA-HYDROXYLASE/17,20-LYASE DEFICIENCY, COMBINED COMPLETE. Last evaluated: 1992-04-01. Review status: no assertion criteria provided. Collection method: literature only. Allele origin: germline. Not counted in ClinVar's aggregate classification.

Clinical Genetics DNA and cytogenetics Diagnostics Lab, Erasmus MC, Erasmus Medical Center
Classification: Pathogenic. Review status: no assertion criteria provided. Collection method: clinical testing. Allele origin: germline. Affected: yes. Study: VKGL Data-share Consensus. Not counted in ClinVar's aggregate classification.

Diagnostic Laboratory, Department of Genetics, University Medical Center Groningen
Classification: Pathogenic. Review status: no assertion criteria provided. Collection method: clinical testing. Allele origin: germline. Affected: yes. Study: VKGL Data-share Consensus. Not counted in ClinVar's aggregate classification.

Genome Diagnostics Laboratory, Amsterdam University Medical Center
Classification: Likely pathogenic. Review status: no assertion criteria provided. Collection method: clinical testing. Allele origin: germline. Affected: yes. Study: VKGL Data-share Consensus. Not counted in ClinVar's aggregate classification.

Literature cited by the submitters: PubMed 2843762 (cited by 4 submitters); PubMed 1577471 (cited by 4 submitters); PubMed 1515452 (cited by Natera, Inc.); PubMed 2786493 (cited by 4 submitters); PubMed 15771555 (cited by Women's Health and Genetics/Laboratory Corporation of America, LabCorp); PubMed 2493025 (cited by Women's Health and Genetics/Laboratory Corporation of America, LabCorp).

NM_000102.4(CYP17A1):c.1435_1438dup (p.Pro480fs)

Gene: CYP17A1 (cytochrome P450 family 17 subfamily A member 1; minus strand). Cytogenetic location: 10q24.32.
Variant type: Duplication.
Coding change: c.1435_1438dup on transcript NM_000102.4 (MANE Select); coding-DNA positions 1435 to 1438, 4 bases duplicated (ATCC; older notation c.1435_1438dupATCC).
Protein change: p.Pro480fs; shifts the reading frame from proline 480.
Molecular consequence: frameshift variant.
Genome position (GRCh38, 1-based): chr10:102,830,791-102,830,794, GGAT duplicated on the plus strand (ATCC on the coding strand, the reverse complement: CYP17A1 is on the minus strand); duplicating any 4 consecutive bases within chr10:102,830,791-102,830,795 gives the same sequence; the c. name uses the placement nearest the transcript's 3' end. VCF-style (leftmost placement, unchanged base first): chr10-102830790-G-GGGAT. GRCh37 (hg19) VCF-style: chr10-104590547-G-GGGAT.
Other names: p.Pro480HisfsX27; c.1435_1438dup (NM_000102.3); short protein forms P480fs.
Identifiers: ClinVar variation 1777 (VCV000001777.31), dbSNP rs556794126, ClinGen allele CA212780.
Genomic context (GRCh38, chr10:102,830,790, plus strand): 5'-CTCCAGGCCTGGCGCACCTTGATCTTCACTTTGAAAGAGTCGATCAGAAAGACCACCTTG[G>GGGAT]GGATGCCTTCCAGGGAGGGCAGCTGCCCATCATCTGGCACCTCCAGGTCGAACCTCTGCA-3'